The following is an entry in ClinVar:

NM_012434.5(SLC17A5):c.1260-2A>C

Gene: SLC17A5 (solute carrier family 17 member 5; minus strand). Cytogenetic location: 6q13.
Variant type: single nucleotide variant.
Coding change: c.1260-2A>C on transcript NM_012434.5 (MANE Select); the canonical splice acceptor site of the intron before coding-DNA position 1260, A replaced by C.
Molecular consequence: splice acceptor variant. On other transcripts: intron variant (1).
Genome position (GRCh38, 1-based): chr6:73,600,443, T>G on the plus strand (A>C on the coding strand, the complement: SLC17A5 is on the minus strand). VCF-style: chr6-73600443-T-G. GRCh37 (hg19) VCF-style: chr6-74310166-T-G.
Other names: c.942-2A>C (NM_001382636.1); c.1029-2A>C (NM_001382629.1); c.1173-2A>C (NM_001382632.1); c.1257-2A>C (NM_001382635.1); c.1101-2A>C (NM_001382634.1); c.1260-5229A>C (NM_001382630.1); c.1260-2A>C (NM_001382633.1, NM_012434.4); c.1281-2A>C (NM_001382631.1).
Identifiers: ClinVar variation 2678771 (VCV002678771.3), dbSNP rs144074675, ClinGen allele CA140972190.
Genomic context (GRCh38, chr6:73,600,443, plus strand): 5'-CAACCATTCCTGGAATAGTGGCAAATGTATTTGTGATGCCCAGGAGGATACCAGCATACC[T>G]GTAGAAACATTTTCATAGACGTTTATTATTGTGATACACATTTAAACAGCTTCATTCTTT-3'

ClinVar aggregate classification (germline): Pathogenic/Likely pathogenic. Review status: criteria provided, multiple submitters, no conflicts (2 of 4 stars). 3 submissions from 3 submitters: Pathogenic (1); Likely pathogenic (2). Last evaluated 2025-12-17.

Conditions:
Salla disease (SD). Also called: Sialuria, Finnish type; N-acetylneuraminic acid (NANA) storage disease (NSD); Infantile sialic acid storage disorder (ISSD); Less Severe FSASD (Salla Disease). Identifiers: Orphanet 309334, Orphanet 834, MedGen C1096903, MONDO:0011449, OMIM 604369.
Sialic acid storage disease, severe infantile type (ISSD). Also called: INFANTILE SIALIC ACID STORAGE DISORDER; N-ACETYLNEURAMINIC ACID STORAGE DISEASE; NANA STORAGE DISEASE; SIALURIA, INFANTILE FORM; Infantile Sialic Acid Storage Disease; Free sialic acid storage disease, infantile form. Identifiers: Orphanet 309324, Orphanet 834, MedGen C1096902, MONDO:0010027, OMIM 269920.

Allele frequency attached by ClinVar (database versions not stated): TOPMed 0.00003; gnomAD 0.00005; ESP Exome Variant Server 0.00008.
gnomAD v4.1: 7 of 1,606,850 alleles (0.00044%); highest among the groups gnomAD compares: African/African-American, 0.0094%; no homozygotes.

Submissions (3):

Natera, Inc.
Classification: Likely pathogenic for Salla disease. Last evaluated: 2025-12-17. Review status: criteria provided, single submitter. Criteria: Natera Variant Classification Schema (03/2026). Collection method: clinical testing. Allele origin: germline.
Comment: The c.1260-2A>C variant in SLC17A5 is a canonical splice acceptor site variant predicted to affect pre-mRNA splicing, which may result in an abnormal transcript and altered protein product. This variant is expected to result in nonsense mediated decay, truncation, or a dysfunctional protein product. This variant is rare in the general population with a frequency below the threshold expected for the associated phenotype(s). Given the available evidence, this variant is classified as Likely Pathogenic.

Fulgent Genetics
Classification: Likely pathogenic for Sialic acid storage disease, severe infantile type; Salla disease. Last evaluated: 2024-05-14. Review status: criteria provided, single submitter. Criteria: ACMG Guidelines, 2015. Collection method: clinical testing. Allele origin: germline.

Baylor Genetics
Classification: Pathogenic for Salla disease. Last evaluated: 2023-08-25. Review status: criteria provided, single submitter. Criteria: ACMG Guidelines, 2015. Collection method: clinical testing. Allele origin: unknown.